The following is an entry in ClinVar:

ClinVar aggregate classification (germline): Uncertain significance (1 of 4 stars; one submission).

Submission:

Labcorp Genetics (formerly Invitae), Labcorp
Classification: Uncertain significance. Last evaluated: 2023-07-25. Review status: criteria provided, single submitter. Criteria: Invitae Variant Classification Sherloc (09022015). Collection method: clinical testing. Allele origin: germline.
Comment: This variant is not present in population databases (gnomAD no frequency). This sequence change replaces tryptophan, which is neutral and slightly polar, with arginine, which is basic and polar, at codon 1084 of the POLA1 protein (p.Trp1084Arg). This variant has not been reported in the literature in individuals affected with POLA1-related conditions. In summary, the available evidence is currently insufficient to determine the role of this variant in disease. Therefore, it has been classified as a Variant of Uncertain Significance. Advanced modeling of protein sequence and biophysical properties (such as structural, functional, and spatial information, amino acid conservation, physicochemical variation, residue mobility, and thermodynamic stability) performed at Invitae indicates that this missense variant is expected to disrupt POLA1 protein function.

NM_001330360.2(POLA1):c.3268T>C (p.Trp1090Arg)

Gene: POLA1 (DNA polymerase alpha 1, catalytic subunit; plus strand). Cytogenetic location: Xp22.11.
Variant type: single nucleotide variant.
Coding change: c.3268T>C on transcript NM_001330360.2 (MANE Select); coding-DNA position 3268, T replaced by C.
Protein change: p.Trp1090Arg; replaces tryptophan 1090 with arginine.
Molecular consequence: missense variant. On other transcripts: non-coding transcript variant (2).
Genome position (GRCh38, 1-based): chrX:24,812,835, T>C. VCF-style: chrX-24812835-T-C. GRCh37 (hg19) VCF-style: chrX-24830952-T-C.
Other names: c.3193T>C, p.Trp1065Arg (NM_001378303.1); c.3250T>C, p.Trp1084Arg (NM_016937.4); short protein forms W1090R, W1065R, W1084R.
Identifiers: ClinVar variation 2746998 (VCV002746998.3), dbSNP rs2518669268, ClinGen allele CA412525554.